The following is an entry in ClinVar:

ClinVar aggregate classification (germline): Uncertain significance. Review status: criteria provided, multiple submitters, no conflicts (2 of 4 stars). 2 submissions from 2 submitters: Uncertain significance (2). Last evaluated 2025-01-22.

Conditions:
Parathyroid carcinoma (PRTC). Also called: CDC73-Related Parathyroid Carcinoma; Parathyroid gland carcinoma. Identifiers: Orphanet 143, MedGen C0687150, MONDO:0012004, OMIM 608266, HP:0006780.
Hereditary cancer-predisposing syndrome. Also called: Tumor predisposition; Neoplastic Syndromes, Hereditary; Hereditary Cancer Syndrome; Hereditary neoplastic syndrome. Identifiers: Orphanet 140162, MedGen C0027672, MeSH D009386, MONDO:0015356.

Submissions (2):

Labcorp Genetics (formerly Invitae), Labcorp
Classification: Uncertain significance for Parathyroid carcinoma. Last evaluated: 2025-01-22. Review status: criteria provided, single submitter. Criteria: Invitae Variant Classification Sherloc (09022015). Collection method: clinical testing. Allele origin: germline.
Comment: This sequence change replaces glutamic acid, which is acidic and polar, with valine, which is neutral and non-polar, at codon 158 of the CDC73 protein (p.Glu158Val). This variant is not present in population databases (gnomAD no frequency). This variant has not been reported in the literature in individuals affected with CDC73-related conditions. Invitae Evidence Modeling of protein sequence and biophysical properties (such as structural, functional, and spatial information, amino acid conservation, physicochemical variation, residue mobility, and thermodynamic stability) indicates that this missense variant is not expected to disrupt CDC73 protein function with a negative predictive value of 80%. In summary, the available evidence is currently insufficient to determine the role of this variant in disease. Therefore, it has been classified as a Variant of Uncertain Significance.

Ambry Genetics
Classification: Uncertain significance for Hereditary cancer-predisposing syndrome. Last evaluated: 2024-07-06. Review status: criteria provided, single submitter. Criteria: Ambry Variant Classification Scheme 2023. Collection method: clinical testing. Allele origin: germline.
Comment: The p.E158V variant (also known as c.473A>T), located in coding exon 6 of the CDC73 gene, results from an A to T substitution at nucleotide position 473. The glutamic acid at codon 158 is replaced by valine, an amino acid with dissimilar properties. This amino acid position is conserved. In addition, this alteration is predicted to be deleterious by in silico analysis. Based on the available evidence, the clinical significance of this variant remains unclear.

NM_024529.5(CDC73):c.473A>T (p.Glu158Val)

Gene: CDC73 (cell division cycle 73; plus strand). Cytogenetic location: 1q31.2.
Variant type: single nucleotide variant.
Coding change: c.473A>T on transcript NM_024529.5 (MANE Select); coding-DNA position 473, A replaced by T.
Protein change: p.Glu158Val; replaces glutamic acid 158 with valine.
Molecular consequence: missense variant.
Genome position (GRCh38, 1-based): chr1:193,138,134, A>T. VCF-style: chr1-193138134-A-T. GRCh37 (hg19) VCF-style: chr1-193107264-A-T.
Other names: short protein forms E158V.
Identifiers: ClinVar variation 3488492 (VCV003488492.3).